The following is an entry in ClinVar:

NM_138694.4(PKHD1):c.9803C>A (p.Ser3268Ter)

Gene: PKHD1 (PKHD1 ciliary IPT domain containing fibrocystin/polyductin; minus strand). Cytogenetic location: 6p12.3.
Variant type: single nucleotide variant.
Coding change: c.9803C>A on transcript NM_138694.4 (MANE Select); coding-DNA position 9803, C replaced by A.
Protein change: p.Ser3268Ter; replaces serine 3268 with a stop codon.
Molecular consequence: nonsense.
Genome position (GRCh38, 1-based): chr6:51,747,813, G>T on the plus strand (C>A on the coding strand, the complement: PKHD1 is on the minus strand). VCF-style: chr6-51747813-G-T. GRCh37 (hg19) VCF-style: chr6-51612611-G-T.
Other names: c.9803C>A, p.Ser3268Ter (NM_170724.3); short protein forms S3268*.
Identifiers: ClinVar variation 5014604 (VCV005014604.1).

ClinVar aggregate classification (germline): Pathogenic (1 of 4 stars; one submission).

Conditions:
Polycystic kidney disease 4 (PKD4). Also called: PKD3; Autosomal Recessive Polycystic Kidney Disease – PKHD1; POLYCYSTIC KIDNEY AND HEPATIC DISEASE 1; POLYCYSTIC KIDNEY DISEASE, INFANTILE, TYPE I; POLYCYSTIC KIDNEY DISEASE 4 WITH OR WITHOUT POLYCYSTIC LIVER DISEASE. Identifiers: MedGen C4540575, MONDO:0033004, OMIM 263200.

Submission:

Myriad Genetics, Inc.
Classification: Pathogenic for Polycystic kidney disease 4. Last evaluated: 2025-06-15. Review status: criteria provided, single submitter. Criteria: Myriad Autosomal Dominant, Autosomal Recessive and X-Linked Classification Criteria (2023). Collection method: clinical testing. Allele origin: unknown.
Comment: NM_138694.3(PKHD1):c.9803C>A(S3268*) is expected to be pathogenic in the context of autosomal recessive polycystic kidney disease, PKHD1-related. This variant is predicted to lead to an abnormal or absent protein product due to the creation of a premature termination codon in PKHD1, a gene where loss-of-function variants are known to be pathogenic. Please note: this variant was assessed in the context of healthy population screening.